The following is an entry in ClinVar:

ClinVar aggregate classification (germline): Uncertain significance (1 of 4 stars; one submission).

Conditions:
Focal segmental glomerulosclerosis 5 (FSGS5). Identifiers: Orphanet 656, MedGen C2750475, MONDO:0013191, OMIM 613237.
Charcot-Marie-Tooth disease dominant intermediate E. Also called: CHARCOT-MARIE-TOOTH NEUROPATHY WITH FOCAL SEGMENTAL GLOMERULONEPHRITIS. Identifiers: Orphanet 93114, MedGen C4302667, MONDO:0013758, OMIM 614455.

Submission:

Labcorp Genetics (formerly Invitae), Labcorp
Classification: Uncertain significance for Charcot-Marie-Tooth disease dominant intermediate E; Focal segmental glomerulosclerosis 5. Last evaluated: 2025-03-05. Review status: criteria provided, single submitter. Criteria: Invitae Variant Classification Sherloc (09022015). Collection method: clinical testing. Allele origin: germline.
Comment: This sequence change replaces proline, which is neutral and non-polar, with leucine, which is neutral and non-polar, at codon 45 of the INF2 protein (p.Pro45Leu). This variant is not present in population databases (gnomAD no frequency). This missense change has been observed in individual(s) with clinical features of focal segmental glomerulosclerosis (PMID: 31937884). ClinVar contains an entry for this variant (Variation ID: 2932726). Invitae Evidence Modeling of protein sequence and biophysical properties (such as structural, functional, and spatial information, amino acid conservation, physicochemical variation, residue mobility, and thermodynamic stability) indicates that this missense variant is expected to disrupt INF2 protein function with a positive predictive value of 95%. In summary, the available evidence is currently insufficient to determine the role of this variant in disease. Therefore, it has been classified as a Variant of Uncertain Significance.

Literature cited by the submitters: PubMed 31937884.

NM_022489.4(INF2):c.134C>T (p.Pro45Leu)

Gene: INF2 (inverted formin 2; plus strand). Cytogenetic location: 14q32.33.
Variant type: single nucleotide variant.
Coding change: c.134C>T on transcript NM_022489.4 (MANE Select); coding-DNA position 134, C replaced by T.
Protein change: p.Pro45Leu; replaces proline 45 with leucine.
Molecular consequence: missense variant.
Genome position (GRCh38, 1-based): chr14:104,701,499, C>T. VCF-style: chr14-104701499-C-T. GRCh37 (hg19) VCF-style: chr14-105167836-C-T.
Other names: c.134C>T, p.Pro45Leu (NM_001031714.4, NM_001426862.1, NM_001426863.1 and 6 more transcripts); short protein forms P45L.
Identifiers: ClinVar variation 2932726 (VCV002932726.3), dbSNP rs2504231405, ClinGen allele CA391225023.